The following is an entry in ClinVar:

NM_000429.3(MAT1A):c.93T>A (p.Asp31Glu)

Gene: MAT1A (methionine adenosyltransferase 1A; minus strand). Cytogenetic location: 10q22.3.
Variant type: single nucleotide variant.
Coding change: c.93T>A on transcript NM_000429.3 (MANE Select); coding-DNA position 93, T replaced by A.
Protein change: p.Asp31Glu; replaces aspartic acid 31 with glutamic acid.
Molecular consequence: missense variant.
Genome position (GRCh38, 1-based): chr10:80,285,588, A>T on the plus strand (T>A on the coding strand, the complement: MAT1A is on the minus strand). VCF-style: chr10-80285588-A-T. GRCh37 (hg19) VCF-style: chr10-82045344-A-T.
Other names: short protein forms D31E.
Identifiers: ClinVar variation 4725314 (VCV004725314.1).
Genomic context (GRCh38, chr10:80,285,588, plus strand): 5'-ATTGGGGTCTTGCTTGAGATGGGCATCCAGCACTGCATCACTGATCTGGTCACAGATCTT[A>T]TCTGGACAAGAGCAAATATGGGTCAGAATCACAAAAATATTCGGGATAACAAATTGAAAT-3'
Protein context (NP_000420.1, residues 21-41): TSESVGEGHP[Asp31Glu]KICDQISDAV

ClinVar aggregate classification (germline): Uncertain significance (1 of 4 stars; one submission).

Conditions:
Hepatic methionine adenosyltransferase deficiency. Also called: MAT I/III DEFICIENCY; Methionine adenosyltransferase deficiency; Deficiency of methionine adenosyltransferase; Isolated Persistent Hypermethioninemia. Identifiers: Orphanet 168598, MedGen C0268621, MeSH C564683, MONDO:0009607, OMIM 250850.

Submission:

Labcorp Genetics (formerly Invitae), Labcorp
Classification: Uncertain significance for Hepatic methionine adenosyltransferase deficiency. Last evaluated: 2025-08-12. Review status: criteria provided, single submitter. Criteria: Invitae Variant Classification Sherloc (09022015). Collection method: clinical testing. Allele origin: germline.
Comment: This sequence change replaces aspartic acid, which is acidic and polar, with glutamic acid, which is acidic and polar, at codon 31 of the MAT1A protein (p.Asp31Glu). This variant is not present in population databases (gnomAD no frequency). This variant has not been reported in the literature in individuals affected with MAT1A-related conditions. An algorithm developed to predict the effect of missense changes on protein structure and function (PolyPhen-2) suggests that this variant is likely to be disruptive. Algorithms developed to predict the effect of sequence changes on RNA splicing suggest that this variant may create or strengthen a splice site. In summary, the available evidence is currently insufficient to determine the role of this variant in disease. Therefore, it has been classified as a Variant of Uncertain Significance.